The following is an entry in ClinVar:

NM_139321.3(ATRN):c.4079C>T (p.Pro1360Leu)

Gene: ATRN (attractin; plus strand). Cytogenetic location: 20p13.
Variant type: single nucleotide variant.
Coding change: c.4079C>T on transcript NM_139321.3 (MANE Select); coding-DNA position 4079, C replaced by T.
Protein change: p.Pro1360Leu; replaces proline 1360 with leucine.
Molecular consequence: missense variant.
Genome position (GRCh38, 1-based): chr20:3,644,182, C>T. VCF-style: chr20-3644182-C-T. GRCh37 (hg19) VCF-style: chr20-3624829-C-T.
Other names: c.4079C>T (NM_139321.2); short protein forms P1360L.
Identifiers: ClinVar variation 1900830 (VCV001900830.6), dbSNP rs368025245, ClinGen allele CA9744730.
Genomic context (GRCh38, chr20:3,644,182, plus strand): 5'-TCACTTAAGGTAATTTTGTTTTCTTCTGCCAGACTGTTCCCAAACCCATTGCACTGGAGC[C>T]GTGTTTTGGCAACAAAGCCGCTGTCCTCTCTGTGTTTGTGAGGCTCCCTCGAGGCCTGGG-3'
Protein context (NP_647537.1, residues 1350-1370): KTVPKPIALE[Pro1360Leu]CFGNKAAVLS

ClinVar aggregate classification (germline): Uncertain significance. Review status: criteria provided, multiple submitters, no conflicts (2 of 4 stars). 2 submissions from 2 submitters: Uncertain significance (2). Last evaluated 2025-08-24.

Allele frequency attached by ClinVar (database versions not stated): ExAC 0.00001; gnomAD 0.00001; gnomAD exomes 0.00001; TOPMed 0.00001; ESP Exome Variant Server 0.00008.
gnomAD v4.1: 13 of 1,614,014 alleles (0.00081%); highest among the groups gnomAD compares: Admixed American, 0.0033%; no homozygotes.

Submissions (2):

Ambry Genetics
Classification: Uncertain significance. Last evaluated: 2025-08-24. Review status: criteria provided, single submitter. Criteria: Ambry Variant Classification Scheme 2023. Collection method: clinical testing. Allele origin: germline.

Labcorp Genetics (formerly Invitae), Labcorp
Classification: Uncertain significance. Last evaluated: 2024-12-12. Review status: criteria provided, single submitter. Criteria: Invitae Variant Classification Sherloc (09022015). Collection method: clinical testing. Allele origin: germline.
Comment: This sequence change replaces proline, which is neutral and non-polar, with leucine, which is neutral and non-polar, at codon 1360 of the ATRN protein (p.Pro1360Leu). This variant is present in population databases (rs368025245, gnomAD 0.006%). This variant has not been reported in the literature in individuals affected with ATRN-related conditions. ClinVar contains an entry for this variant (Variation ID: 1900830). An algorithm developed to predict the effect of missense changes on protein structure and function (PolyPhen-2) suggests that this variant is likely to be disruptive. In summary, the available evidence is currently insufficient to determine the role of this variant in disease. Therefore, it has been classified as a Variant of Uncertain Significance.